The following is an entry in ClinVar:

NM_005751.5(AKAP9):c.2983A>G (p.Arg995Gly)

Gene: AKAP9 (A-kinase anchoring protein 9; plus strand). Cytogenetic location: 7q21.2.
Variant type: single nucleotide variant.
Coding change: c.2983A>G on transcript NM_005751.5 (MANE Select); coding-DNA position 2983, A replaced by G.
Protein change: p.Arg995Gly; replaces arginine 995 with glycine.
Molecular consequence: missense variant.
Genome position (GRCh38, 1-based): chr7:92,002,900, A>G. VCF-style: chr7-92002900-A-G. GRCh37 (hg19) VCF-style: chr7-91632214-A-G.
Other names: c.2983A>G, p.Arg995Gly (NM_147185.3); short protein forms R995G.
Identifiers: ClinVar variation 2920094 (VCV002920094.3), dbSNP rs2484695788, ClinGen allele CA368125372.

ClinVar aggregate classification (germline): Uncertain significance (1 of 4 stars; one submission).

Conditions:
Long QT syndrome (LQTS). Identifiers: MedGen C0023976, MeSH D008133, MONDO:0002442. Disease mechanism: loss of function. Inheritance: Various modes of inheritance.

Submission:

Labcorp Genetics (formerly Invitae), Labcorp
Classification: Uncertain significance for Long QT syndrome. Last evaluated: 2023-04-24. Review status: criteria provided, single submitter. Criteria: Invitae Variant Classification Sherloc (09022015). Collection method: clinical testing. Allele origin: germline.
Comment: In summary, the available evidence is currently insufficient to determine the role of this variant in disease. Therefore, it has been classified as a Variant of Uncertain Significance. Algorithms developed to predict the effect of missense changes on protein structure and function output the following: SIFT: "Not Available"; PolyPhen-2: "Benign"; Align-GVGD: "Not Available". The glycine amino acid residue is found in multiple mammalian species, which suggests that this missense change does not adversely affect protein function. This sequence change replaces arginine, which is basic and polar, with glycine, which is neutral and non-polar, at codon 995 of the AKAP9 protein (p.Arg995Gly). This variant is not present in population databases (gnomAD no frequency). This variant has not been reported in the literature in individuals affected with AKAP9-related conditions.